The following is an entry in ClinVar:

NM_004629.2(FANCG):c.1002A>G (p.Leu334=)

Gene: FANCG (FA complementation group G; minus strand). Cytogenetic location: 9p13.3.
Variant type: single nucleotide variant.
Coding change: c.1002A>G on transcript NM_004629.2 (MANE Select); coding-DNA position 1002, A replaced by G.
Protein change: p.Leu334=; no amino-acid change (leucine 334 retained).
Molecular consequence: synonymous variant.
Genome position (GRCh38, 1-based): chr9:35,076,506, T>C on the plus strand (A>G on the coding strand, the complement: FANCG is on the minus strand). VCF-style: chr9-35076506-T-C. GRCh37 (hg19) VCF-style: chr9-35076503-T-C.
Identifiers: ClinVar variation 703628 (VCV000703628.17), dbSNP rs984958735, ClinGen allele CA464415447.
Genomic context (GRCh38, chr9:35,076,506, plus strand): 5'-GCACCTGCTTGCTAGTATGTGCTTGGTCTGGCTCTGAGTGCCACAATGAAGGGGTGAGGC[T>C]AGGTCAGGTGGTGGCAGTAGTAATTCTACCTCAATGAGAAACTGCGGGGCTTTGGAACTG-3'
Protein context (NP_004620.1, residues 324-344): EVELLLPPPD[Leu334=]ASPLHCGTQS

ClinVar aggregate classification (germline): Likely benign. Review status: criteria provided, multiple submitters, no conflicts (2 of 4 stars). 3 submissions from 3 submitters: Likely benign (3). Last evaluated 2025-03-01.

Conditions:
Inborn genetic diseases. Identifiers: MedGen C0950123, MeSH D030342.
Fanconi anemia (FA). Also called: Fanconi's anemia. Identifiers: Orphanet 84, MedGen C0015625, MeSH D005199, MONDO:0019391.

gnomAD v4.1: 4 of 1,614,108 alleles (0.00025%); highest among the groups gnomAD compares: Admixed American, 0.0033%; no homozygotes.

Submissions (3):

CeGaT Center for Human Genetics Tuebingen
Classification: Likely benign. Last evaluated: 2025-03-01. Review status: criteria provided, single submitter. Criteria: CeGaT Center For Human Genetics Tuebingen Variant Classification Criteria Version 2. Collection method: clinical testing. Allele origin: germline. Affected: yes. Observed: 1 variant allele.
Comment: FANCG: BP4, BP7

Ambry Genetics
Classification: Likely benign for Inborn genetic diseases. Last evaluated: 2024-12-15. Review status: criteria provided, single submitter. Criteria: Ambry Variant Classification Scheme 2023. Collection method: clinical testing. Allele origin: germline.

Labcorp Genetics (formerly Invitae), Labcorp
Classification: Likely benign for Fanconi anemia. Last evaluated: 2023-12-09. Review status: criteria provided, single submitter. Criteria: Invitae Variant Classification Sherloc (09022015). Collection method: clinical testing. Allele origin: germline.